The following is an entry in ClinVar:

ClinVar aggregate classification (germline): Uncertain significance (1 of 4 stars; one submission).

Submission:

GeneDx
Classification: Uncertain significance. Last evaluated: 2024-06-03. Review status: criteria provided, single submitter. Criteria: GeneDx Variant Classification Process June 2021. Collection method: clinical testing. Allele origin: germline. Affected: yes.
Comment: Not observed at significant frequency in large population cohorts (gnomAD); In silico analysis supports that this missense variant has a deleterious effect on protein structure/function; Has not been previously published as pathogenic or benign to our knowledge

NM_004974.4(KCNA2):c.412C>A (p.Arg138Ser)

Gene: KCNA2 (potassium voltage-gated channel subfamily A member 2; minus strand). Cytogenetic location: 1p13.3.
Variant type: single nucleotide variant.
Coding change: c.412C>A on transcript NM_004974.4 (MANE Select); coding-DNA position 412, C replaced by A.
Protein change: p.Arg138Ser; replaces arginine 138 with serine.
Molecular consequence: missense variant.
Genome position (GRCh38, 1-based): chr1:110,604,371, G>T on the plus strand (C>A on the coding strand, the complement: KCNA2 is on the minus strand). VCF-style: chr1-110604371-G-T. GRCh37 (hg19) VCF-style: chr1-111146993-G-T.
Other names: c.412C>A, p.Arg138Ser (NM_001204269.2); short protein forms R138S.
Identifiers: ClinVar variation 3384479 (VCV003384479.1).